The following is an entry in ClinVar:

NM_001174089.2(SLC4A11):c.1915del (p.Ser638_Leu639insTer)

Gene: SLC4A11 (solute carrier family 4 member 11; minus strand). Cytogenetic location: 20p13.
Variant type: Deletion.
Coding change: c.1915del on transcript NM_001174089.2 (MANE Select); coding-DNA position 1915, one base deleted (C; older notation c.1915delC).
Protein change: p.Ser638_Leu639insTer.
Molecular consequence: nonsense. On other transcripts: non-coding transcript variant (1).
Genome position (GRCh38, 1-based): chr20:3,229,198, G deleted on the plus strand (C on the coding strand, the reverse complement: SLC4A11 is on the minus strand); the first of 3 consecutive G bases (chr20:3,229,198-3,229,200); deleting any one gives the same sequence. VCF-style (leftmost placement, unchanged base first): chr20-3229197-AG-A. GRCh37 (hg19) VCF-style: chr20-3209843-AG-A.
Other names: c.2044del, p.Ser681_Leu682insTer (NM_001174090.2); c.1801del, p.Ser600_Leu601insTer (NM_001363745.2); c.1963del, p.Ser654_Leu655insTer (NM_032034.4).
Identifiers: ClinVar variation 1070365 (VCV001070365.7), dbSNP rs2122516373, ClinGen allele CA2499225710.
Genomic context (GRCh38, chr20:3,229,197, plus strand): 5'-TCGATGAAGAAGAGCATGGACAGCAGGAAGCCGAGGCCCATGGCACCGCTGACGGCCCTC[AG>A]GGACAGCGACTGGATCTGCGCCATCGCAAAGGGGCTCTCGCTGGGGTTGTAGCGGAACTT-3'

ClinVar aggregate classification (germline): Pathogenic (1 of 4 stars; one submission).

Submission:

Labcorp Genetics (formerly Invitae), Labcorp
Classification: Pathogenic. Last evaluated: 2020-09-03. Review status: criteria provided, single submitter. Criteria: Invitae Variant Classification Sherloc (09022015). Collection method: clinical testing. Allele origin: germline.
Comment: Loss-of-function variants in SLC4A11 are known to be pathogenic (PMID: 17220209, 17679935). For these reasons, this variant has been classified as Pathogenic. This variant has not been reported in the literature in individuals with SLC4A11-related conditions. This variant is not present in population databases (ExAC no frequency). This sequence change creates a premature translational stop signal (p.Leu655*) in the SLC4A11 gene. It is expected to result in an absent or disrupted protein product.

Literature cited by the submitters: PubMed 17220209; PubMed 17679935.